The following is an entry in ClinVar:

NM_000557.5(GDF5):c.917C>T (p.Ser306Leu)

Genes: GDF5 (growth differentiation factor 5; minus strand), GDF5-AS1 (GDF5 antisense RNA 1; plus strand). Cytogenetic location: 20q11.22.
Variant type: single nucleotide variant.
Coding change: c.917C>T on transcript NM_000557.5 (MANE Select); coding-DNA position 917, C replaced by T.
Protein change: p.Ser306Leu; replaces serine 306 with leucine.
Molecular consequence: missense variant. On other transcripts: non-coding transcript variant (1).
Genome position (GRCh38, 1-based): chr20:35,434,498, G>A on the plus strand (C>T on the coding strand, the complement: GDF5 is on the minus strand). VCF-style: chr20-35434498-G-A. GRCh37 (hg19) VCF-style: chr20-34022296-G-A.
Other names: c.917C>T, p.Ser306Leu (NM_001319138.2); short protein forms S306L.
Identifiers: ClinVar variation 2720490 (VCV002720490.3), dbSNP rs762071973, ClinGen allele CA9832208.

ClinVar aggregate classification (germline): Uncertain significance (1 of 4 stars; one submission).

Allele frequency attached by ClinVar (database versions not stated): ExAC 0.00002; TOPMed 0.00002; gnomAD 0.00003.
gnomAD v4.1: 42 of 1,608,848 alleles (0.0026%); highest among the groups gnomAD compares: Admixed American, 0.0034%; no homozygotes.

Submission:

Labcorp Genetics (formerly Invitae), Labcorp
Classification: Uncertain significance. Last evaluated: 2023-08-04. Review status: criteria provided, single submitter. Criteria: Invitae Variant Classification Sherloc (09022015). Collection method: clinical testing. Allele origin: germline.
Comment: This sequence change replaces serine, which is neutral and polar, with leucine, which is neutral and non-polar, at codon 306 of the GDF5 protein (p.Ser306Leu). This variant is present in population databases (rs762071973, gnomAD 0.004%). This variant has not been reported in the literature in individuals affected with GDF5-related conditions. In summary, the available evidence is currently insufficient to determine the role of this variant in disease. Therefore, it has been classified as a Variant of Uncertain Significance. Advanced modeling of protein sequence and biophysical properties (such as structural, functional, and spatial information, amino acid conservation, physicochemical variation, residue mobility, and thermodynamic stability) performed at Invitae indicates that this missense variant is not expected to disrupt GDF5 protein function.